The following is an entry in ClinVar:

ClinVar aggregate classification (germline): Benign/Likely benign. Review status: criteria provided, multiple submitters, no conflicts (2 of 4 stars). 8 submissions from 8 submitters: Benign (4); Likely benign (2). 2 of the submissions do not count toward it. Last evaluated 2026-09-01.

Conditions:
Tatton-Brown-Rahman overgrowth syndrome. Also called: Tall stature-intellectual disability-facial dysmorphism syndrome; Tatton-Brown-Rahman syndrome. Identifiers: Orphanet 404443, MedGen C4014545, MONDO:0014382, OMIM 615879.
Inborn genetic diseases. Identifiers: MedGen C0950123, MeSH D030342.

Allele frequency attached by ClinVar (database versions not stated): 1000 Genomes Project 0.00200; ESP Exome Variant Server 0.00231; ExAC 0.00232; gnomAD 0.00235 and 0.00237; 1000 Genomes Project 30x 0.00250; TOPMed 0.00284.
gnomAD v4.1: 4,320 of 1,613,112 alleles (0.27%); highest among the groups gnomAD compares: Admixed American, 0.55%; 12 homozygotes.

Submissions (8):

CeGaT Center for Human Genetics Tuebingen
Classification: Likely benign. Last evaluated: 2026-09-01. Review status: criteria provided, single submitter. Criteria: CeGaT Center For Human Genetics Tuebingen Variant Classification Criteria Version 2. Collection method: clinical testing. Allele origin: germline. Affected: yes. Observed: 10 variant alleles.
Comment: DNMT3A: BP4, BP7, BS1

Labcorp Genetics (formerly Invitae), Labcorp
Classification: Benign for Tatton-Brown-Rahman overgrowth syndrome. Last evaluated: 2026-01-26. Review status: criteria provided, single submitter. Criteria: Invitae Variant Classification Sherloc (09022015). Collection method: clinical testing. Allele origin: germline.

Blueprint Genetics
Classification: Benign. Last evaluated: 2024-11-20. Review status: criteria provided, single submitter. Criteria: ACMG Guidelines, 2015. Collection method: clinical testing. Allele origin: germline.

Ambry Genetics
Classification: Likely benign for Inborn genetic diseases. Last evaluated: 2024-10-02. Review status: criteria provided, single submitter. Criteria: Ambry Variant Classification Scheme 2023. Collection method: clinical testing. Allele origin: germline.

GeneDx
Classification: Benign. Last evaluated: 2019-02-27. Review status: criteria provided, single submitter. Criteria: GeneDx Variant Classification Process June 2021. Collection method: clinical testing. Allele origin: germline. Affected: yes.

Breakthrough Genomics
Classification: Benign. Review status: criteria provided, single submitter. Criteria: ACMG Guidelines, 2015. Collection method: not provided. Allele origin: germline. Inheritance: Autosomal dominant inheritance. Affected: yes.

Clinical Genetics DNA and cytogenetics Diagnostics Lab, Erasmus MC, Erasmus Medical Center
Classification: Likely benign. Review status: no assertion criteria provided. Collection method: clinical testing. Allele origin: germline. Affected: yes. Study: VKGL Data-share Consensus. Not counted in ClinVar's aggregate classification.

Laboratory of Diagnostic Genome Analysis, Leiden University Medical Center (LUMC)
Classification: Likely benign. Review status: no assertion criteria provided. Collection method: clinical testing. Allele origin: germline. Affected: yes. Study: VKGL Data-share Consensus. Not counted in ClinVar's aggregate classification.

NM_022552.5(DNMT3A):c.801C>T (p.Ser267=)

Gene: DNMT3A (DNA methyltransferase 3 alpha; minus strand). Cytogenetic location: 2p23.3.
Variant type: single nucleotide variant.
Coding change: c.801C>T on transcript NM_022552.5 (MANE Select); coding-DNA position 801, C replaced by T.
Protein change: p.Ser267=; no amino-acid change (serine 267 retained).
Molecular consequence: synonymous variant. On other transcripts: non-coding transcript variant (1).
Genome position (GRCh38, 1-based): chr2:25,248,091, G>A on the plus strand (C>T on the coding strand, the complement: DNMT3A is on the minus strand). VCF-style: chr2-25248091-G-A. GRCh37 (hg19) VCF-style: chr2-25470960-G-A.
Other names: c.801C>T, p.Ser267= (NM_175629.2); c.234C>T, p.Ser78= (NM_153759.3); c.345C>T, p.Ser115= (NM_001320893.1); c.132C>T, p.Ser44= (NM_001375819.1); c.801C>T (NM_022552.3).
Identifiers: ClinVar variation 541938 (VCV000541938.41), dbSNP rs116609083, ClinGen allele CA1556294.
Genomic context (GRCh38, chr2:25,248,091, plus strand): 5'-GCTCACCTCGTACTCTGGCTCGTCATCGCCTGCTTTGGTGGCATTCTTGTCCCCAGCATC[G>A]GACCCCACGGGCTCAGGCGTGGTAGCCACAGTGGGGGATGCGGGGTCAGTGGGCTGCTGC-3'
Protein context (NP_072046.2, residues 257-277): TVATTPEPVG[Ser267=]DAGDKNATKA